The following is an entry in ClinVar:

NM_032043.3(BRIP1):c.949C>G (p.His317Asp)

Gene: BRIP1 (BRCA1 interacting DNA helicase 1; minus strand). Cytogenetic location: 17q23.2.
Variant type: single nucleotide variant.
Coding change: c.949C>G on transcript NM_032043.3 (MANE Select); coding-DNA position 949, C replaced by G.
Protein change: p.His317Asp; replaces histidine 317 with aspartic acid.
Molecular consequence: missense variant.
Genome position (GRCh38, 1-based): chr17:61,801,444, G>C on the plus strand (C>G on the coding strand, the complement: BRIP1 is on the minus strand). VCF-style: chr17-61801444-G-C. GRCh37 (hg19) VCF-style: chr17-59878805-G-C.
Other names: short protein forms H317D.
Identifiers: ClinVar variation 2104407 (VCV002104407.4), dbSNP rs2145341553, ClinGen allele CA400484262.

ClinVar aggregate classification (germline): Uncertain significance (1 of 4 stars; one submission).

Conditions:
Familial cancer of breast. Also called: Hereditary breast cancer; BREAST CANCER, FAMILIAL; hereditary breast carcinoma. Identifiers: Orphanet 227535, MedGen C0346153, MONDO:0016419, OMIM 114480. Disease mechanism: loss of function.
Fanconi anemia complementation group J. Also called: BRIP1-Related Fanconi Anemia. Identifiers: Orphanet 84, MedGen C1836860, MONDO:0012187, OMIM 609054.

Submission:

Labcorp Genetics (formerly Invitae), Labcorp
Classification: Uncertain significance for Familial cancer of breast; Fanconi anemia complementation group J. Last evaluated: 2022-03-04. Review status: criteria provided, single submitter. Criteria: Invitae Variant Classification Sherloc (09022015). Collection method: clinical testing. Allele origin: germline.
Comment: This variant has not been reported in the literature in individuals affected with BRIP1-related conditions. In summary, the available evidence is currently insufficient to determine the role of this variant in disease. Therefore, it has been classified as a Variant of Uncertain Significance. Algorithms developed to predict the effect of missense changes on protein structure and function are either unavailable or do not agree on the potential impact of this missense change (SIFT: "Tolerated"; PolyPhen-2: "Possibly Damaging"; Align-GVGD: "Class C0"). This variant is not present in population databases (gnomAD no frequency). This sequence change replaces histidine, which is basic and polar, with aspartic acid, which is acidic and polar, at codon 317 of the BRIP1 protein (p.His317Asp).